The following is an entry in ClinVar:

NM_001009944.3(PKD1):c.8369del (p.Pro2790fs)

Gene: PKD1 (polycystin 1, transient receptor potential channel interacting; minus strand). Cytogenetic location: 16p13.3.
Variant type: Deletion.
Coding change: c.8369del on transcript NM_001009944.3 (MANE Select); coding-DNA position 8369, one base deleted (C; older notation c.8369delC).
Protein change: p.Pro2790fs; shifts the reading frame from proline 2790.
Molecular consequence: frameshift variant.
Genome position (GRCh38, 1-based): chr16:2,103,688, G deleted on the plus strand (C on the coding strand, the reverse complement: PKD1 is on the minus strand); the first of 3 consecutive G bases (chr16:2,103,688-2,103,690); deleting any one gives the same sequence. VCF-style (leftmost placement, unchanged base first): chr16-2103687-CG-C. GRCh37 (hg19) VCF-style: chr16-2153688-CG-C.
Other names: c.8369delC (NM_001009944.3); c.8369del, p.Pro2790fs (NM_000296.4); short protein forms P2790fs.
Identifiers: ClinVar variation 373776 (VCV000373776.6), dbSNP rs1057518604, ClinGen allele CA16043003.

ClinVar aggregate classification (germline): Pathogenic/Likely pathogenic. Review status: criteria provided, multiple submitters, no conflicts (2 of 4 stars). 5 submissions from 5 submitters: Pathogenic (3); Likely pathogenic (2). Last evaluated 2025-07-28.

Conditions:
PKD1-related disorder. Also called: PKD1-related condition.
Polycystic kidney disease, adult type (PKD1). Also called: Polycystic Kidney, Autosomal Dominant; Polycystic Kidney Disease 1, Autosomal Dominant; Polycystic kidney disease 1; Polycystic kidney disease 1, severe; POLYCYSTIC KIDNEY DISEASE, ADULT, TYPE I; POLYCYSTIC KIDNEY DISEASE 1 WITH OR WITHOUT POLYCYSTIC LIVER DISEASE. Identifiers: MedGen C3149841, MONDO:0008263, OMIM 173900.

Submissions (5):

Women's Health and Genetics/Laboratory Corporation of America, LabCorp
Classification: Pathogenic for Polycystic kidney disease, adult type. Last evaluated: 2025-07-28. Review status: criteria provided, single submitter. Criteria: LabCorp Variant Classification Summary - May 2015. Collection method: clinical testing. Allele origin: germline.
Comment: Variant summary: PKD1 c.8369delC (p.Pro2790ArgfsX85) results in a premature termination codon, predicted to cause a truncation of the encoded protein or absence of the protein due to nonsense mediated decay, which are commonly known mechanisms for disease. The variant was absent in 242978 control chromosomes. c.8369delC has been observed in individuals affected with Polycystic Kidney Disease (e.g., Kinoshita_2016, Lindemann_2023). To our knowledge, no experimental evidence demonstrating an impact on protein function has been reported. The following publications have been ascertained in the context of this evaluation (PMID: 27835667, 36938073). ClinVar contains an entry for this variant (Variation ID: 373776). Based on the evidence outlined above, the variant was classified as pathogenic.

Fulgent Genetics
Classification: Pathogenic for Polycystic kidney disease, adult type. Last evaluated: 2024-05-20. Review status: criteria provided, single submitter. Criteria: ACMG Guidelines, 2015. Collection method: clinical testing. Allele origin: germline.

PreventionGenetics, part of Exact Sciences
Classification: Likely pathogenic for PKD1-related condition. Last evaluated: 2023-03-08. Review status: criteria provided, single submitter. Criteria: ACMG Guidelines, 2015. Collection method: clinical testing. Allele origin: germline.
Comment: The PKD1 c.8369delC variant is predicted to result in a frameshift and premature protein termination (p.Pro2790Argfs*85). To our knowledge, this variant has not been reported in the literature or in a large population database, indicating this variant is rare. Frameshift variants in PKD1 are expected to be pathogenic. This variant is interpreted as likely pathogenic.

Blueprint Genetics
Classification: Likely pathogenic for PKD1-related disorders. Last evaluated: 2021-06-02. Review status: criteria provided, single submitter. Criteria: ACMG Guidelines, 2015. Collection method: clinical testing. Allele origin: germline. Affected: yes. Observed: 1 variant allele.

GeneDx
Classification: Pathogenic. Last evaluated: 2016-12-02. Review status: criteria provided, single submitter. Criteria: GeneDx Variant Classification (06012015). Collection method: clinical testing. Allele origin: germline. Affected: yes.
Comment: The c.8369delC variant in the PKD1 gene has not been reported previously as a pathogenic variant nor as a benign variant, to our knowledge. The c.8369delC variant causes a frameshift starting with codon Proline 2790, changes this amino acid to a Arginine residue, and creates a premature Stop codon at position 85 of the new reading frame, denoted p.Pro2790ArgfsX85. This variant is predicted to cause loss of normal protein function either through protein truncation or nonsense-mediated mRNA decay. The c.8369delC variant was not observed in approximately 6,400 individuals of European and African American ancestry in the NHLBI Exome Sequencing Project, indicating it is not a common benign variant in these populations. We interpret c.8369delC as a pathogenic variant.

Literature cited by the submitters: PubMed 36938073 (cited by Women's Health and Genetics/Laboratory Corporation of America, LabCorp); PubMed 27835667 (cited by Women's Health and Genetics/Laboratory Corporation of America, LabCorp).